The following is an entry in ClinVar:

NM_000400.4(ERCC2):c.925G>T (p.Val309Leu)

Gene: ERCC2 (ERCC excision repair 2, TFIIH core complex helicase subunit; minus strand). Cytogenetic location: 19q13.32.
Variant type: single nucleotide variant.
Coding change: c.925G>T on transcript NM_000400.4 (MANE Select); coding-DNA position 925, G replaced by T.
Protein change: p.Val309Leu; replaces valine 309 with leucine.
Molecular consequence: missense variant.
Genome position (GRCh38, 1-based): chr19:45,364,010, C>A on the plus strand (G>T on the coding strand, the complement: ERCC2 is on the minus strand). VCF-style: chr19-45364010-C-A. GRCh37 (hg19) VCF-style: chr19-45867268-C-A.
Other names: c.853G>T, p.Val285Leu (NM_001130867.2); short protein forms V285L, V309L.
Identifiers: ClinVar variation 3509842 (VCV003509842.1).
Genomic context (GRCh38, chr19:45,364,010, plus strand): 5'-AAAGGGACTGGGGGGCAGCGGGGGGTCGGGGCTCACCCTGCAGCACTTCGTCGGGCAGCA[C>A]GGGGTTGGCCAGGTGGGCGTCCGTCTCCCGGGCGGCGCTGGCCTCCCGCAGCCCCTCCAC-3'
Protein context (NP_000391.1, residues 299-319): RETDAHLANP[Val309Leu]LPDEVLQEAV

ClinVar aggregate classification (germline): Uncertain significance (1 of 4 stars; one submission).

Conditions:
Inborn genetic diseases. Identifiers: MedGen C0950123, MeSH D030342.

Submission:

Ambry Genetics
Classification: Uncertain significance for Inborn genetic diseases. Last evaluated: 2024-08-17. Review status: criteria provided, single submitter. Criteria: Ambry Variant Classification Scheme 2023. Collection method: clinical testing. Allele origin: germline.
Comment: The p.V309L variant (also known as c.925G>T), located in coding exon 10 of the ERCC2 gene, results from a G to T substitution at nucleotide position 925. The valine at codon 309 is replaced by leucine, an amino acid with highly similar properties. This amino acid position is conserved. In addition, the in silico prediction for this alteration is inconclusive. Based on the available evidence, the clinical significance of this variant remains unclear.